The following is an entry in ClinVar:

ClinVar aggregate classification (germline): Uncertain significance (1 of 4 stars; one submission).

Submission:

GeneDx
Classification: Uncertain significance. Last evaluated: 2025-06-23. Review status: criteria provided, single submitter. Criteria: GeneDx Variant Classification Process June 2021. Collection method: clinical testing. Allele origin: germline. Affected: yes.
Comment: Not observed at significant frequency in large population cohorts (gnomAD); In silico analysis supports that this missense variant has a deleterious effect on protein structure/function; Has not been previously published as pathogenic or benign to our knowledge; Occurs in the triple helical domain at the X position in the canonical Gly-X-Y repeat; although this variant may have an effect on normal protein folding and function, missense substitution at the X position is not a common mechanism of disease (HGMD)

NM_000090.4(COL3A1):c.2621T>C (p.Phe874Ser)

Gene: COL3A1 (collagen type III alpha 1 chain; plus strand). Cytogenetic location: 2q32.2.
Variant type: single nucleotide variant.
Coding change: c.2621T>C on transcript NM_000090.4 (MANE Select); coding-DNA position 2621, T replaced by C.
Protein change: p.Phe874Ser; replaces phenylalanine 874 with serine.
Molecular consequence: missense variant.
Genome position (GRCh38, 1-based): chr2:189,003,747, T>C. VCF-style: chr2-189003747-T-C. GRCh37 (hg19) VCF-style: chr2-189868473-T-C.
Other names: short protein forms F874S.
Identifiers: ClinVar variation 4540258 (VCV004540258.1).
Genomic context (GRCh38, chr2:189,003,747, plus strand): 5'-TTATTTGTTCTACTTTTGAAATTCAAAAATATATTACCATTTCACAGGGTGCTGCTGGCT[T>C]CCCTGGTGCTCGTGGTCTTCCTGGTCCTCCTGGTAGTAATGTAAGTAATTGTTAAAGTCT-3'
Protein context (NP_000081.2, residues 864-884): GSPGGPGAAG[Phe874Ser]PGARGLPGPP